The following is an entry in ClinVar:

NM_001080414.4(CCDC88C):c.624+8C>T

Gene: CCDC88C (coiled-coil and HOOK domain protein 88C; minus strand). Cytogenetic location: 14q32.11.
Variant type: single nucleotide variant.
Coding change: c.624+8C>T on transcript NM_001080414.4 (MANE Select); 8 bases into the intron after coding-DNA position 624, C replaced by T.
Molecular consequence: intron variant.
Genome position (GRCh38, 1-based): chr14:91,339,876, G>A on the plus strand (C>T on the coding strand, the complement: CCDC88C is on the minus strand). VCF-style: chr14-91339876-G-A. GRCh37 (hg19) VCF-style: chr14-91806220-G-A.
Identifiers: ClinVar variation 2644458 (VCV002644458.28), dbSNP rs747552824, ClinGen allele CA7310184.

ClinVar aggregate classification (germline): Likely benign. Review status: criteria provided, multiple submitters, no conflicts (2 of 4 stars). 3 submissions from 3 submitters: Likely benign (3). Last evaluated 2024-03-13.

Allele frequency attached by ClinVar (database versions not stated): gnomAD 0.00001; TOPMed 0.00003; ExAC 0.00006.
gnomAD v4.1: 13 of 1,576,750 alleles (0.00082%); highest among the groups gnomAD compares: East Asian, 0.0024%; no homozygotes.

Submissions (3):

Labcorp Genetics (formerly Invitae), Labcorp
Classification: Likely benign. Last evaluated: 2024-03-13. Review status: criteria provided, single submitter. Criteria: Invitae Variant Classification Sherloc (09022015). Collection method: clinical testing. Allele origin: germline.

Blueprint Genetics
Classification: Likely benign. Last evaluated: 2024-02-21. Review status: criteria provided, single submitter. Criteria: ACMG Guidelines, 2015. Collection method: clinical testing. Allele origin: germline.

CeGaT Center for Human Genetics Tuebingen
Classification: Likely benign. Last evaluated: 2023-03-01. Review status: criteria provided, single submitter. Criteria: CeGaT Center For Human Genetics Tuebingen Variant Classification Criteria Version 2. Collection method: clinical testing. Allele origin: germline. Affected: yes. Observed: 1 variant allele.
Comment: CCDC88C: BP4